The following is an entry in ClinVar:

NM_177438.3(DICER1):c.4131del (p.Pro1377_Val1378insTer)

Gene: DICER1 (dicer 1, ribonuclease III; minus strand). Cytogenetic location: 14q32.13.
Variant type: Deletion.
Coding change: c.4131del on transcript NM_177438.3 (MANE Select); coding-DNA position 4131, one base deleted (T; older notation c.4131delT).
Protein change: p.Pro1377_Val1378insTer.
Molecular consequence: frameshift variant. On other transcripts: nonsense (1), non-coding transcript variant (6).
Genome position (GRCh38, 1-based): chr14:95,099,855, A deleted on the plus strand (T on the coding strand, the reverse complement: DICER1 is on the minus strand). VCF-style (leftmost placement, unchanged base first): chr14-95099854-CA-C. GRCh37 (hg19) VCF-style: chr14-95566191-CA-C.
Other names: c.4131del, p.Pro1377_Val1378insTer (NM_001195573.1, NM_001271282.3, NM_001291628.2 and 12 more transcripts); c.4131delT, p.Val1378Terfs (NM_001395681.1); c.3849del, p.Pro1283_Val1284insTer (NM_001395686.1); c.3726del, p.Pro1242_Val1243insTer (NM_001395687.1, NM_001395688.1, NM_001395689.1 and 2 more transcripts); c.3564del, p.Pro1188_Val1189insTer (NM_001395691.1); c.2448del, p.Pro816_Val817insTer (NM_001395697.1).
Identifiers: ClinVar variation 3062040 (VCV003062040.1), dbSNP rs2542600568, ClinGen allele CA2740097194.

ClinVar aggregate classification (germline): Likely pathogenic (1 of 4 stars; one submission).

Conditions:
DICER1-related tumor predisposition. Also called: DICER1-related pleuropulmonary blastoma cancer predisposition syndrome; DICER1 syndrome. Identifiers: Orphanet 284343, MedGen C3839822, MONDO:0100216.

Submission:

Illumina Laboratory Services, Illumina
Classification: Likely pathogenic for DICER1-related tumor predisposition. Last evaluated: 2019-09-04. Review status: criteria provided, single submitter. Criteria: ICSLVariantClassificationCriteria RUGD 01 April 2020. Collection method: clinical testing. Allele origin: unknown.
Comment: The DICER1 c.4131delT p.(Val1378Ter) variant causes a shift in the protein reading frame that is predicted to result in premature termination of the protein. Loss of normal protein function through either protein truncation or nonsense-mediated mRNA decay is expected. To our knowledge, this variant has not been reported in the peer-reviewed literature. This variant is not observed in version 2.1.1 of the Genome Aggregation Database. Based on the available evidence, the c.4131delT p.(Val1378Ter) variant is classified as likely pathogenic for DICER1-related tumor predisposition.